The following is an entry in ClinVar:

NM_000179.3(MSH6):c.1609A>G (p.Lys537Glu)

Gene: MSH6 (mutS homolog 6; plus strand). Cytogenetic location: 2p16.3.
Variant type: single nucleotide variant.
Coding change: c.1609A>G on transcript NM_000179.3 (MANE Select); coding-DNA position 1609, A replaced by G.
Protein change: p.Lys537Glu; replaces lysine 537 with glutamic acid.
Molecular consequence: missense variant.
Genome position (GRCh38, 1-based): chr2:47,799,592, A>G. VCF-style: chr2-47799592-A-G. GRCh37 (hg19) VCF-style: chr2-48026731-A-G.
Other names: c.1219A>G, p.Lys407Glu (NM_001281492.2); c.703A>G, p.Lys235Glu (NM_001281493.2, NM_001281494.2); short protein forms K537E, K235E, K407E.
Identifiers: ClinVar variation 485856 (VCV000485856.21), dbSNP rs753276270, ClinGen allele CA067918.

ClinVar aggregate classification (germline): Conflicting classifications of pathogenicity. Review status: criteria provided, conflicting classifications (1 of 4 stars). 5 submissions from 5 submitters: Uncertain significance (4); Likely benign (1). Last evaluated 2026-01-05.

Conditions:
Hereditary nonpolyposis colorectal neoplasms. Identifiers: MedGen C0009405, MeSH D003123.
Hereditary cancer-predisposing syndrome. Also called: Tumor predisposition; Hereditary Cancer Syndrome; Neoplastic Syndromes, Hereditary; Hereditary neoplastic syndrome. Identifiers: Orphanet 140162, MedGen C0027672, MeSH D009386, MONDO:0015356.

Allele frequency attached by ClinVar (database versions not stated): gnomAD exomes below 0.00001; ExAC 0.00001; gnomAD 0.00001; TOPMed 0.00001.
gnomAD v4.1: 15 of 1,614,096 alleles (0.00093%); highest among the groups gnomAD compares: Non-Finnish European, 0.001%; no homozygotes.

Submissions (5):

Labcorp Genetics (formerly Invitae), Labcorp
Classification: Likely benign for Hereditary nonpolyposis colorectal neoplasms. Last evaluated: 2026-01-05. Review status: criteria provided, single submitter. Criteria: Invitae Variant Classification Sherloc (09022015). Collection method: clinical testing. Allele origin: germline.

Ambry Genetics
Classification: Uncertain significance for Hereditary cancer-predisposing syndrome. Last evaluated: 2024-03-06. Review status: criteria provided, single submitter. Criteria: Ambry Variant Classification Scheme 2023. Collection method: clinical testing. Allele origin: germline.
Comment: The p.K537E variant (also known as c.1609A>G), located in coding exon 4 of the MSH6 gene, results from an A to G substitution at nucleotide position 1609. The lysine at codon 537 is replaced by glutamic acid, an amino acid with similar properties. This amino acid position is well conserved in available vertebrate species. In addition, the in silico prediction for this alteration is inconclusive. Since supporting evidence is limited at this time, the clinical significance of this alteration remains unclear.

Color Diagnostics, LLC DBA Color Health
Classification: Uncertain significance for Hereditary cancer-predisposing syndrome. Last evaluated: 2023-07-12. Review status: criteria provided, single submitter. Criteria: ACMG Guidelines, 2015. Collection method: clinical testing. Allele origin: germline.
Comment: This missense variant replaces lysine with glutamic acid at codon 537 of the MSH6 protein. Computational prediction suggests that this variant may not impact protein structure and function (internally defined REVEL score threshold <= 0.5, PMID: 27666373). To our knowledge, functional studies have not been reported for this variant. This variant has not been reported in individuals affected with MSH6-related disorders in the literature. This variant has been identified in 2/282744 chromosomes in the general population by the Genome Aggregation Database (gnomAD). The available evidence is insufficient to determine the role of this variant in disease conclusively. Therefore, this variant is classified as a Variant of Uncertain Significance.

GeneDx
Classification: Uncertain significance. Last evaluated: 2023-04-12. Review status: criteria provided, single submitter. Criteria: GeneDx Variant Classification Process June 2021. Collection method: clinical testing. Allele origin: germline. Affected: yes.
Comment: Not observed at significant frequency in large population cohorts (gnomAD); In silico analysis supports that this missense variant does not alter protein structure/function; Has not been previously published as pathogenic or benign to our knowledge; This variant is associated with the following publications: (PMID: 22949387, 25194673, 17531815, 21120944)

Blueprint Genetics
Classification: Uncertain significance. Last evaluated: 2019-06-25. Review status: criteria provided, single submitter. Criteria: ACMG Guidelines, 2015. Collection method: clinical testing. Allele origin: germline.